The following is an entry in ClinVar:

NM_001244008.2(KIF1A):c.69C>T (p.Asp23=)

Gene: KIF1A (kinesin family member 1A; minus strand). Cytogenetic location: 2q37.3.
Variant type: single nucleotide variant.
Coding change: c.69C>T on transcript NM_001244008.2 (MANE Select); coding-DNA position 69, C replaced by T.
Protein change: p.Asp23=; no amino-acid change (aspartic acid 23 retained).
Molecular consequence: synonymous variant.
Genome position (GRCh38, 1-based): chr2:240,797,684, G>A on the plus strand (C>T on the coding strand, the complement: KIF1A is on the minus strand). VCF-style: chr2-240797684-G-A. GRCh37 (hg19) VCF-style: chr2-241737101-G-A.
Other names: c.69C>T, p.Asp23= (NM_001320705.2, NM_001330289.2, NM_001330290.2 and 20 more transcripts).
Identifiers: ClinVar variation 335287 (VCV000335287.22), dbSNP rs774350715, ClinGen allele CA2208917.
Genomic context (GRCh38, chr2:240,797,684, plus strand): 5'-ATGCTGTGCAGGCTGATACTCACTGGTGGTGCTTCCAGACATCTGAATGATGCACTTGGA[G>A]TCACGGCTCATTTCCCGGGAATTGAAGGGGCGGACCCGCACCGCCACCTTCACCGAAGCC-3'
Protein context (NP_001230937.1, residues 13-33): RPFNSREMSR[Asp23=]SKCIIQMSGS

ClinVar aggregate classification (germline): Conflicting classifications of pathogenicity. Review status: criteria provided, conflicting classifications (1 of 4 stars). 4 submissions from 4 submitters: Uncertain significance (1); Likely benign (3). Last evaluated 2025-11-01.

Conditions:
Hereditary spastic paraplegia 30. Identifiers: Orphanet 101010, MedGen C5235139, MONDO:0012476.
Neuropathy, hereditary sensory, type 2C. Also called: KIF1A-Related HSAN2 (HSAN2C); Hereditary sensory and autonomic neuropathy type IIC. Identifiers: Orphanet 970, MedGen C3280168, MONDO:0013634, OMIM 614213.
Intellectual disability, autosomal dominant 9 (NESCAVS). Also called: NESCAV SYNDROME; KIF1A-Related Neurodevelopmental Disorder. Identifiers: Orphanet 662367, MedGen C5393830, MONDO:0013656, OMIM 614255.
Inborn genetic diseases. Identifiers: MedGen C0950123, MeSH D030342.

Allele frequency attached by ClinVar (database versions not stated): TOPMed below 0.00001; ExAC 0.00001; gnomAD 0.00001; gnomAD exomes 0.00001.
gnomAD v4.1: 14 of 1,612,810 alleles (0.00087%); highest among the groups gnomAD compares: South Asian, 0.0022%; no homozygotes.

Submissions (4):

CeGaT Center for Human Genetics Tuebingen
Classification: Likely benign. Last evaluated: 2025-11-01. Review status: criteria provided, single submitter. Criteria: CeGaT Center For Human Genetics Tuebingen Variant Classification Criteria Version 2. Collection method: clinical testing. Allele origin: germline. Affected: yes. Observed: 1 variant allele.
Comment: KIF1A: BP4, BP7

Labcorp Genetics (formerly Invitae), Labcorp
Classification: Likely benign for Hereditary spastic paraplegia 30; Neuropathy, hereditary sensory, type 2C; Intellectual disability, autosomal dominant 9. Last evaluated: 2024-03-05. Review status: criteria provided, single submitter. Criteria: Invitae Variant Classification Sherloc (09022015). Collection method: clinical testing. Allele origin: germline.

Ambry Genetics
Classification: Likely benign for Inborn genetic diseases. Last evaluated: 2019-07-11. Review status: criteria provided, single submitter. Criteria: Ambry Variant Classification Scheme 2023. Collection method: clinical testing. Allele origin: germline.

Illumina Laboratory Services, Illumina
Classification: Uncertain significance for Spastic paraplegia 30A, autosomal dominant. Last evaluated: 2018-01-12. Review status: criteria provided, single submitter. Criteria: ICSL Variant Classification Criteria 13 December 2019. Collection method: clinical testing. Allele origin: germline.